The following is an entry in ClinVar:

NM_001134363.3(RBM20):c.1447G>A (p.Gly483Arg)

Gene: RBM20 (RNA binding motif protein 20; plus strand). Cytogenetic location: 10q25.2.
Variant type: single nucleotide variant.
Coding change: c.1447G>A on transcript NM_001134363.3 (MANE Select); coding-DNA position 1447, G replaced by A.
Protein change: p.Gly483Arg; replaces glycine 483 with arginine.
Molecular consequence: missense variant.
Genome position (GRCh38, 1-based): chr10:110,784,809, G>A. VCF-style: chr10-110784809-G-A. GRCh37 (hg19) VCF-style: chr10-112544567-G-A.
Other names: short protein forms G483R.
Identifiers: ClinVar variation 4809735 (VCV004809735.1).
Genomic context (GRCh38, chr10:110,784,809, plus strand): 5'-TACATTCTGGGTTTTCACTGACTTTGTGTAATTCATCATTTAGATTATGCCTCAAATCTT[G>A]GAACATCATACGTGCCCATTCCAGCAAGGTCATTCACTCAGTCAAGCCCCACATTTCCTT-3'
Protein context (NP_001127835.2, residues 473-493): AGNEDYASNL[Gly483Arg]TSYVPIPARS

ClinVar aggregate classification (germline): Uncertain significance (1 of 4 stars; one submission).

Conditions:
Dilated cardiomyopathy 1DD (CMD1DD). Identifiers: Orphanet 154, MedGen C2750995, MONDO:0013168, OMIM 613172.

Submission:

Labcorp Genetics (formerly Invitae), Labcorp
Classification: Uncertain significance for Dilated cardiomyopathy 1DD. Last evaluated: 2025-10-30. Review status: criteria provided, single submitter. Criteria: Invitae Variant Classification Sherloc (09022015). Collection method: clinical testing. Allele origin: germline.
Comment: This sequence change replaces glycine, which is neutral and non-polar, with arginine, which is basic and polar, at codon 483 of the RBM20 protein (p.Gly483Arg). This variant is not present in population databases (gnomAD no frequency). This variant has not been reported in the literature in individuals affected with RBM20-related conditions. Invitae Evidence Modeling of protein sequence and biophysical properties (such as structural, functional, and spatial information, amino acid conservation, physicochemical variation, residue mobility, and thermodynamic stability) indicates that this missense variant is not expected to disrupt RBM20 protein function with a negative predictive value of 95%. Algorithms developed to predict the effect of sequence changes on RNA splicing suggest that this variant may disrupt the consensus splice site. In summary, the available evidence is currently insufficient to determine the role of this variant in disease. Therefore, it has been classified as a Variant of Uncertain Significance.